The following is an entry in ClinVar:

NM_201384.3(PLEC):c.11657G>A (p.Arg3886His)

Gene: PLEC (plectin; minus strand). Cytogenetic location: 8q24.3.
Variant type: single nucleotide variant.
Coding change: c.11657G>A on transcript NM_201384.3 (MANE Select); coding-DNA position 11657, G replaced by A.
Protein change: p.Arg3886His; replaces arginine 3886 with histidine.
Molecular consequence: missense variant.
Genome position (GRCh38, 1-based): chr8:143,918,164, C>T on the plus strand (G>A on the coding strand, the complement: PLEC is on the minus strand). VCF-style: chr8-143918164-C-T. GRCh37 (hg19) VCF-style: chr8-144992332-C-T.
Other names: c.11738G>A, p.Arg3913His (NM_000445.5); c.11615G>A, p.Arg3872His (NM_201378.4); c.11591G>A, p.Arg3864His (NM_201379.3); c.12068G>A, p.Arg4023His (NM_201380.4); c.11561G>A, p.Arg3854His (NM_201381.3); c.11657G>A, p.Arg3886His (NM_201382.4); c.11669G>A, p.Arg3890His (NM_201383.3); short protein forms R3890H, R3886H, R4023H, R3854H, R3864H, R3872H, R3913H.
Identifiers: ClinVar variation 471524 (VCV000471524.25), dbSNP rs368152307, ClinGen allele CA4924277.

ClinVar aggregate classification (germline): Conflicting classifications of pathogenicity. Review status: criteria provided, conflicting classifications (1 of 4 stars). 7 submissions from 7 submitters: Uncertain significance (5); Likely benign (2). Last evaluated 2025-12-15.

Conditions:
Autosomal recessive limb-girdle muscular dystrophy type 2Q (LGMDR17). Also called: MUSCULAR DYSTROPHY, LIMB-GIRDLE, AUTOSOMAL RECESSIVE 17. Identifiers: Orphanet 254361, MedGen C3150989, MONDO:0013390, OMIM 613723.
Epidermolysis bullosa simplex 5C, with pyloric atresia (EBS5C). Also called: PLEC-Related Epidermolysis Bullosa with Pyloric Atresia; Epidermolysis bullosa simplex with pyloric atresia; PLEC1-Related Epidermolysis Bullosa with Pyloric Atresia. Identifiers: Orphanet 158684, MedGen C2677349, MONDO:0012807, OMIM 612138.
Epidermolysis bullosa simplex, Ogna type (EBS5A). Also called: Pidermolysis bullosa simplex 5A, Ogna type; EPIDERMOLYSIS BULLOSA SIMPLEX 5A, OGNA TYPE. Identifiers: Orphanet 79401, MedGen C0432317, MONDO:0007555, OMIM 131950.
Epidermolysis bullosa simplex 5B, with muscular dystrophy (EBS5B). Also called: EPIDERMOLYSIS BULLOSA SIMPLEX AND LIMB-GIRDLE MUSCULAR DYSTROPHY; Epidermolysis bullosa simplex with muscular dystrophy. Identifiers: Orphanet 257, MedGen C2931072, MONDO:0009181, OMIM 226670.
Epidermolysis bullosa simplex with nail dystrophy (EBS5D). Identifiers: MedGen C4225309, MONDO:0014661, OMIM 616487.
Inborn genetic diseases. Identifiers: MedGen C0950123, MeSH D030342.

Allele frequency attached by ClinVar (database versions not stated): ExAC 0.00007; gnomAD exomes 0.00011 and 0.00019; TOPMed 0.00014; gnomAD 0.00015; ESP Exome Variant Server 0.00016.
gnomAD v4.1: 291 of 1,596,190 alleles (0.018%); highest among the groups gnomAD compares: Middle Eastern, 0.034%; 1 homozygote.

Submissions (7):

Labcorp Genetics (formerly Invitae), Labcorp
Classification: Uncertain significance for Autosomal recessive limb-girdle muscular dystrophy type 2Q; Epidermolysis bullosa simplex, Ogna type; Epidermolysis bullosa simplex with nail dystrophy; Epidermolysis bullosa simplex 5C, with pyloric atresia; Epidermolysis bullosa simplex 5B, with muscular dystrophy. Last evaluated: 2025-12-15. Review status: criteria provided, single submitter. Criteria: Invitae Variant Classification Sherloc (09022015). Collection method: clinical testing. Allele origin: germline.
Comment: This sequence change replaces arginine, which is basic and polar, with histidine, which is basic and polar, at codon 3913 of the PLEC protein (p.Arg3913His). This variant is present in population databases (rs368152307, gnomAD 0.02%). This variant has not been reported in the literature in individuals affected with PLEC-related conditions. ClinVar contains an entry for this variant (Variation ID: 471524). Invitae Evidence Modeling of protein sequence and biophysical properties (such as structural, functional, and spatial information, amino acid conservation, physicochemical variation, residue mobility, and thermodynamic stability) indicates that this missense variant is not expected to disrupt PLEC protein function with a negative predictive value of 80%. In summary, the available evidence is currently insufficient to determine the role of this variant in disease. Therefore, it has been classified as a Variant of Uncertain Significance.

Ambry Genetics
Classification: Uncertain significance for Inborn genetic diseases. Last evaluated: 2025-04-18. Review status: criteria provided, single submitter. Criteria: Ambry Variant Classification Scheme 2023. Collection method: clinical testing. Allele origin: germline.

Revvity Omics, Revvity
Classification: Uncertain significance. Last evaluated: 2025-02-03. Review status: criteria provided, single submitter. Criteria: ACMG Guidelines, 2015. Collection method: clinical testing. Allele origin: germline.

Blueprint Genetics
Classification: Likely benign. Last evaluated: 2024-11-27. Review status: criteria provided, single submitter. Criteria: ACMG Guidelines, 2015. Collection method: clinical testing. Allele origin: germline.

Athena Diagnostics
Classification: Uncertain significance. Last evaluated: 2020-03-10. Review status: criteria provided, single submitter. Criteria: Athena Diagnostics Criteria. Collection method: clinical testing. Allele origin: unknown.

GeneDx
Classification: Likely benign. Last evaluated: 2018-07-03. Review status: criteria provided, single submitter. Criteria: GeneDx Variant Classification Process June 2021. Collection method: clinical testing. Allele origin: germline. Affected: yes.

Eurofins Ntd Llc (ga)
Classification: Uncertain significance. Last evaluated: 2017-01-30. Review status: criteria provided, single submitter. Criteria: EGL Classification Definitions 2015. Collection method: clinical testing. Allele origin: germline. Observed: 2 variant alleles, 2 heterozygotes.